The following is an entry in ClinVar:

ClinVar aggregate classification (germline): Conflicting classifications of pathogenicity. Review status: criteria provided, conflicting classifications (1 of 4 stars). 7 submissions from 7 submitters: Likely pathogenic (4); Uncertain significance (2); Likely benign (1). Last evaluated 2026-10-15.

Conditions:
CACNA1S-related disorder. Also called: CACNA1S-related condition.
Congenital myopathy 18. Also called: Myopathy, congenital, due to dihydropyridine receptor defect; DIHYDROPYRIDINE RECEPTOR CONGENITAL MYOPATHY; DHPR CONGENITAL MYOPATHY. Identifiers: MedGen C5830283, MONDO:0859514, OMIM 620246.
Hypokalemic periodic paralysis, type 1. Also called: HypoPP; Hypokalemic Periodic Paralysis Type 1 (AD). Identifiers: Orphanet 681, MedGen C3714580, MONDO:0042979, OMIM 170400.
Malignant hyperthermia, susceptibility to, 5 (MHS5). Also called: CACNA1S-Related Malignant Hyperthermia Susceptibility. Identifiers: Orphanet 423, MedGen C1866077, MONDO:0011163, OMIM 601887.
Thyrotoxic periodic paralysis, susceptibility to, 1 (TTPP1). Identifiers: Orphanet 79102, MedGen C2749982, MONDO:0008570, OMIM 188580.

Allele frequency attached by ClinVar (database versions not stated): 1000 Genomes Project 30x 0.00016; 1000 Genomes Project 0.00020; ESP Exome Variant Server 0.00038; gnomAD 0.00056 and 0.00048; TOPMed 0.00057; ExAC 0.00010; gnomAD exomes 0.00009.
gnomAD v4.1: 127 of 1,610,682 alleles (0.0079%); highest among the groups gnomAD compares: African/African-American, 0.16%; no homozygotes.

Submissions (7):

GeneDx
Classification: Likely pathogenic. Last evaluated: 2026-10-15. Review status: criteria provided, single submitter. Criteria: GeneDx Variant Classification Process June 2021. Collection method: clinical testing. Allele origin: germline.
Comment: Canonical splice site variant predicted to result in a null allele in a gene for which loss of function is a known mechanism of disease; Has not been previously published as pathogenic or benign in association with CACNA1S-related disorder to our knowledge; This variant is associated with the following publications: (PMID: 30476936)

Women's Health and Genetics/Laboratory Corporation of America, LabCorp
Classification: Likely pathogenic for Congenital myopathy 18. Last evaluated: 2026-02-02. Review status: criteria provided, single submitter. Criteria: LabCorp Variant Classification Summary - May 2015. Collection method: clinical testing. Allele origin: germline.
Comment: Variant summary: CACNA1S c.5049-2A>G is located in a canonical splice-site and is predicted to affect mRNA splicing resulting in a significantly altered protein due to either exon skipping, shortening, or inclusion of intronic material. Variants that disrupt the consensus splice site are a relatively common cause of aberrant splicing and loss of CACNA1S function. Several computational tools predict a significant impact on normal splicing: Four predict the variant abolishes a 3' acceptor site. However, these predictions have yet to be confirmed by functional studies. The variant allele was found at a frequency of 8.8e-05 in 251240 control chromosomes. This frequency is not significantly higher than estimated for disease-causing variants in CACNA1S, allowing no conclusion about variant significance. To our knowledge, no occurrence of c.5049-2A>G in individuals affected with CACNA1S-related conditions and no experimental evidence demonstrating its impact on protein function have been reported. ClinVar contains an entry for this variant (Variation ID: 541072). Based on the evidence outlined above, the variant was classified as likely pathogenic.

Labcorp Genetics (formerly Invitae), Labcorp
Classification: Likely pathogenic for Hypokalemic periodic paralysis, type 1; Malignant hyperthermia, susceptibility to, 5. Last evaluated: 2026-01-17. Review status: criteria provided, single submitter. Criteria: Invitae Variant Classification Sherloc (09022015). Collection method: clinical testing. Allele origin: germline.
Comment: This sequence change affects an acceptor splice site in intron 40 of the CACNA1S gene. It is expected to disrupt RNA splicing. Variants that disrupt the donor or acceptor splice site typically lead to a loss of protein function (PMID: 16199547), and loss-of-function variants in CACNA1S are known to be pathogenic (PMID: 26247046, 28012042). This variant is present in population databases (rs148989517, gnomAD 0.1%). This variant has not been reported in the literature in individuals affected with CACNA1S-related conditions. ClinVar contains an entry for this variant (Variation ID: 541072). Algorithms developed to predict the effect of sequence changes on RNA splicing suggest that this variant may disrupt the consensus splice site. In summary, the currently available evidence indicates that the variant is pathogenic, but additional data are needed to prove that conclusively. Therefore, this variant has been classified as Likely Pathogenic.

PreventionGenetics, part of Exact Sciences
Classification: Uncertain significance for CACNA1S-related condition. Last evaluated: 2025-04-23. Review status: criteria provided, single submitter. Criteria: ACMG Guidelines, 2015. Collection method: clinical testing. Allele origin: germline.
Comment: The CACNA1S c.5049-2A>G variant is predicted to disrupt the AG splice acceptor site and interfere with normal splicing. This variant was reported in an individual with kidney and/or genitourinary disorder (Table S4, Rasouly et al. 2019. PubMed ID: 30476936). This variant is reported in 0.14% of alleles in individuals of African descent in gnomAD, which may be too frequent to be a primary cause of autosomal dominant disease. At this time, the clinical significance of this variant is uncertain due to the absence of conclusive functional and genetic evidence.

Fulgent Genetics
Classification: Likely pathogenic for Hypokalemic periodic paralysis, type 1; Thyrotoxic periodic paralysis, susceptibility to, 1; Malignant hyperthermia, susceptibility to, 5; Congenital myopathy 18. Last evaluated: 2024-04-17. Review status: criteria provided, single submitter. Criteria: ACMG Guidelines, 2015. Collection method: clinical testing. Allele origin: germline.

Color Diagnostics, LLC DBA Color Health
Classification: Likely benign for Malignant hyperthermia, susceptibility to, 5. Last evaluated: 2022-10-03. Review status: criteria provided, single submitter. Criteria: ACMG Guidelines, 2015. Collection method: clinical testing. Allele origin: germline.

Mendelics
Classification: Uncertain significance for Hypokalemic periodic paralysis, type 1. Last evaluated: 2022-05-30. Review status: criteria provided, single submitter. Criteria: Mendelics Assertion Criteria 2019. Collection method: clinical testing. Allele origin: germline.

Literature cited by the submitters: PubMed 16199547 (cited by Labcorp Genetics (formerly Invitae), Labcorp); PubMed 26247046 (cited by Labcorp Genetics (formerly Invitae), Labcorp); PubMed 28012042 (cited by Labcorp Genetics (formerly Invitae), Labcorp).

NM_000069.3(CACNA1S):c.5049-2A>G

Gene: CACNA1S (calcium voltage-gated channel subunit alpha1 S; minus strand). Cytogenetic location: 1q32.1.
Variant type: single nucleotide variant.
Coding change: c.5049-2A>G on transcript NM_000069.3 (MANE Select); the canonical splice acceptor site of the intron before coding-DNA position 5049, A replaced by G.
Molecular consequence: splice acceptor variant.
Genome position (GRCh38, 1-based): chr1:201,041,591, T>C on the plus strand (A>G on the coding strand, the complement: CACNA1S is on the minus strand). VCF-style: chr1-201041591-T-C. GRCh37 (hg19) VCF-style: chr1-201010719-T-C.
Identifiers: ClinVar variation 541072 (VCV000541072.22), dbSNP rs148989517, ClinGen allele CA083706.